The following is an entry in ClinVar:

NM_001375567.1(FOCAD):c.4431C>G (p.Ile1477Met)

Gene: FOCAD (focadhesin; plus strand). Cytogenetic location: 9p21.3.
Variant type: single nucleotide variant.
Coding change: c.4431C>G on transcript NM_001375567.1 (MANE Select); coding-DNA position 4431, C replaced by G.
Protein change: p.Ile1477Met; replaces isoleucine 1477 with methionine.
Molecular consequence: missense variant.
Genome position (GRCh38, 1-based): chr9:20,981,479, C>G. VCF-style: chr9-20981479-C-G. GRCh37 (hg19) VCF-style: chr9-20981478-C-G.
Other names: c.4326C>G, p.Ile1442Met (NM_001375568.1, NM_001375570.1); c.4431C>G, p.Ile1477Met (NM_017794.5); short protein forms I1442M, I1477M.
Identifiers: ClinVar variation 3654035 (VCV003654035.2).

ClinVar aggregate classification (germline): Uncertain significance (1 of 4 stars; one submission).

gnomAD v4.1: 5 of 1,614,136 alleles (0.00031%); highest among the groups gnomAD compares: Non-Finnish European, 0.00042%; no homozygotes.

Submission:

Labcorp Genetics (formerly Invitae), Labcorp
Classification: Uncertain significance. Last evaluated: 2024-05-22. Review status: criteria provided, single submitter. Criteria: Invitae Variant Classification Sherloc (09022015). Collection method: clinical testing. Allele origin: germline.
Comment: This sequence change replaces isoleucine, which is neutral and non-polar, with methionine, which is neutral and non-polar, at codon 1477 of the FOCAD protein (p.Ile1477Met). This variant is present in population databases (rs763315217, gnomAD 0.004%). This variant has not been reported in the literature in individuals affected with FOCAD-related conditions. Experimental studies and prediction algorithms are not available or were not evaluated, and the functional significance of this variant is currently unknown. In summary, the available evidence is currently insufficient to determine the role of this variant in disease. Therefore, it has been classified as a Variant of Uncertain Significance.